The following is an entry in ClinVar:

NM_002225.5(IVD):c.125T>C (p.Leu42Pro)

Gene: IVD (isovaleryl-CoA dehydrogenase; plus strand). Cytogenetic location: 15q15.1.
Variant type: single nucleotide variant.
Coding change: c.125T>C on transcript NM_002225.5 (MANE Select); coding-DNA position 125, T replaced by C.
Protein change: p.Leu42Pro; replaces leucine 42 with proline.
Molecular consequence: missense variant. On other transcripts: 5 prime UTR variant (1), non-coding transcript variant (1).
Genome position (GRCh38, 1-based): chr15:40,405,952, T>C. VCF-style: chr15-40405952-T-C. GRCh37 (hg19) VCF-style: chr15-40698153-T-C.
Other names: L13P; c.125T>C, p.Leu42Pro (NM_001159508.3, NM_001354598.3, NM_001354599.3 and 2 more transcripts); c.-303T>C (NM_001354597.3); short protein forms L42P.
Identifiers: ClinVar variation 3562 (VCV000003562.2), dbSNP rs121434284, ClinGen allele CA116357.

ClinVar aggregate classification (germline): Uncertain significance. Review status: criteria provided, single submitter (1 of 4 stars). 2 submissions from 2 submitters: Uncertain significance (1). 1 of the submissions does not count toward it. Last evaluated 2025-07-24.

Conditions:
Isovaleric acidemia, type I. Identifiers: MedGen C4017056.
Isovaleryl-CoA dehydrogenase deficiency (IVA). Also called: Isovaleric acidemia; IVD DEFICIENCY; Classic Isovaleric Acidemia; ISOVALERIC ACID CoA DEHYDROGENASE DEFICIENCY. Identifiers: Orphanet 33, MedGen C0268575, MONDO:0009475, OMIM 243500.

Allele frequency attached by ClinVar (database versions not stated): gnomAD exomes below 0.00001.
gnomAD v4.1: 6 of 1,611,412 alleles (0.00037%); highest among the groups gnomAD compares: Non-Finnish European, 0.00042%; no homozygotes.

Submissions (2):

Myriad Genetics, Inc.
Classification: Uncertain significance for Isovaleryl-CoA dehydrogenase deficiency. Last evaluated: 2025-07-24. Review status: criteria provided, single submitter. Criteria: Myriad Autosomal Dominant, Autosomal Recessive and X-Linked Classification Criteria (2023). Collection method: clinical testing. Allele origin: unknown.
Comment: NM_002225.3(IVD):c.134T>C(L45P) is a missense variant classified as a variant of uncertain significance in the context of isovaleric acidemia. L45P has been observed in cases with relevant disease (PMID: 2063866, 15486829). Relevant functional assessments of this variant are not available in the literature. L45P has not been observed in referenced population frequency databases. In summary, there is insufficient evidence to classify NM_002225.3(IVD):c.134T>C(L45P) as pathogenic or benign. Please note: this variant was assessed in the context of healthy population screening.

OMIM
Classification: Pathogenic for ISOVALERIC ACIDEMIA, TYPE I. Last evaluated: 1991-07-01. Review status: no assertion criteria provided. Collection method: literature only. Allele origin: germline. Not counted in ClinVar's aggregate classification.

Literature cited by the submitters: PubMed 15486829 (cited by Myriad Genetics, Inc.); PubMed 2063866 (cited by Myriad Genetics, Inc. and OMIM).